The following is an entry in ClinVar:

ClinVar aggregate classification (germline): Uncertain significance. Review status: criteria provided, multiple submitters, no conflicts (2 of 4 stars). 3 submissions from 3 submitters: Uncertain significance (3). Last evaluated 2025-11-21.

Conditions:
Ataxia-telangiectasia syndrome (AT). Also called: Ataxia-telangiectasia; LOUIS-BAR SYNDROME; Ataxia-telangiectasia, complementation group D; AT, COMPLEMENTATION GROUP C; ATAXIA-TELANGIECTASIA, COMPLEMENTATION GROUP A; ATAXIA-TELANGIECTASIA, FRESNO VARIANT. Identifiers: Orphanet 100, MedGen C0004135, MONDO:0008840, OMIM 208900.
Hereditary cancer-predisposing syndrome. Also called: Tumor predisposition; Neoplastic Syndromes, Hereditary; Hereditary Cancer Syndrome; Hereditary neoplastic syndrome. Identifiers: Orphanet 140162, MedGen C0027672, MeSH D009386, MONDO:0015356.

Submissions (3):

Labcorp Genetics (formerly Invitae), Labcorp
Classification: Uncertain significance for Ataxia-telangiectasia syndrome. Last evaluated: 2025-11-21. Review status: criteria provided, single submitter. Criteria: Invitae Variant Classification Sherloc (09022015). Collection method: clinical testing. Allele origin: germline.
Comment: This sequence change replaces alanine, which is neutral and non-polar, with valine, which is neutral and non-polar, at codon 2451 of the ATM protein (p.Ala2451Val). This variant is not present in population databases (gnomAD no frequency). This variant has not been reported in the literature in individuals affected with ATM-related conditions. ClinVar contains an entry for this variant (Variation ID: 1450416). Invitae Evidence Modeling of protein sequence and biophysical properties (such as structural, functional, and spatial information, amino acid conservation, physicochemical variation, residue mobility, and thermodynamic stability) indicates that this missense variant is not expected to disrupt ATM protein function with a negative predictive value of 95%. In summary, the available evidence is currently insufficient to determine the role of this variant in disease. Therefore, it has been classified as a Variant of Uncertain Significance.

GeneDx
Classification: Uncertain significance. Last evaluated: 2023-11-30. Review status: criteria provided, single submitter. Criteria: GeneDx Variant Classification Process June 2021. Collection method: clinical testing. Allele origin: germline. Affected: yes.
Comment: Not observed at significant frequency in large population cohorts (gnomAD); In silico analysis supports that this missense variant does not alter protein structure/function; Has not been previously published as pathogenic or benign to our knowledge; This variant is associated with the following publications: (PMID: 23532176)

Ambry Genetics
Classification: Uncertain significance for Hereditary cancer-predisposing syndrome. Last evaluated: 2023-06-26. Review status: criteria provided, single submitter. Criteria: Ambry Variant Classification Scheme 2023. Collection method: clinical testing. Allele origin: germline.
Comment: The p.A2451V variant (also known as c.7352C>T), located in coding exon 49 of the ATM gene, results from a C to T substitution at nucleotide position 7352. The alanine at codon 2451 is replaced by valine, an amino acid with similar properties. This amino acid position is well conserved in available vertebrate species. In addition, the in silico prediction for this alteration is inconclusive. Since supporting evidence is limited at this time, the clinical significance of this alteration remains unclear.

NM_000051.4(ATM):c.7352C>T (p.Ala2451Val)

Genes: ATM (ATM serine/threonine kinase; plus strand), C11orf65 (chromosome 11 open reading frame 65; minus strand). Cytogenetic location: 11q22.3.
Variant type: single nucleotide variant.
Coding change: c.7352C>T on transcript NM_000051.4 (MANE Select); coding-DNA position 7352, C replaced by T.
Protein change: p.Ala2451Val; replaces alanine 2451 with valine.
Molecular consequence: missense variant. On other transcripts: intron variant (2).
Genome position (GRCh38, 1-based): chr11:108,330,258, C>T. VCF-style: chr11-108330258-C-T. GRCh37 (hg19) VCF-style: chr11-108200985-C-T.
Other names: c.7352C>T, p.Ala2451Val (NM_001351834.2); c.641-21187G>A (NM_001330368.2); c.*38+4962G>A (NM_001351110.2); short protein forms A2451V.
Identifiers: ClinVar variation 1450416 (VCV001450416.8), dbSNP rs2086116043, ClinGen allele CA382559949.
Genomic context (GRCh38, chr11:108,330,258, plus strand): 5'-AATTATTCTATGCAAGATACACAGTAAAGGTTCAGCGAGAGCTGGAGTTGGATGAATTAG[C>T]CCTGCGTGCACTGAAAGAGGATCGTAAACGCTTCTTATGTAAAGCAGTTGAAAATTATAT-3'
Protein context (NP_000042.3, residues 2441-2461): VQRELELDEL[Ala2451Val]LRALKEDRKR